The following is an entry in ClinVar:

NM_032447.5(FBN3):c.7934A>G (p.Gln2645Arg)

Gene: FBN3 (fibrillin 3; minus strand). Cytogenetic location: 19p13.2.
Variant type: single nucleotide variant.
Coding change: c.7934A>G on transcript NM_032447.5 (MANE Select); coding-DNA position 7934, A replaced by G.
Protein change: p.Gln2645Arg; replaces glutamine 2645 with arginine.
Molecular consequence: missense variant.
Genome position (GRCh38, 1-based): chr19:8,073,066, T>C on the plus strand (A>G on the coding strand, the complement: FBN3 is on the minus strand). VCF-style: chr19-8073066-T-C. GRCh37 (hg19) VCF-style: chr19-8137950-T-C.
Other names: c.7934A>G (NM_032447.3); c.7934A>G, p.Gln2645Arg (NM_001321431.2); short protein forms Q2645R.
Identifiers: ClinVar variation 1409564 (VCV001409564.7), dbSNP rs1397438538, ClinGen allele CA403697821.
Genomic context (GRCh38, chr19:8,073,066, plus strand): 5'-TGCGTGCATGGACGCTTGCGGGGCATGGAGTCTGCTTGCCCCACTCCAGCCTCTCACCCT[T>C]GCCCAGCCCGGAAGTAGCCTTGAGGACAGCCGCACAGGAAGCCACCAGGCGTGTTGGCAC-3'
Protein context (NP_115823.3, residues 2635-2655): GCPQGYFRAG[Gln2645Arg]GHCVSGLGFS

ClinVar aggregate classification (germline): Uncertain significance. Review status: criteria provided, multiple submitters, no conflicts (2 of 4 stars). 2 submissions from 2 submitters: Uncertain significance (2). Last evaluated 2025-08-30.

Allele frequency attached by ClinVar (database versions not stated): TOPMed 0.00001.
gnomAD v4.1: 8 of 1,571,032 alleles (0.00051%); highest among the groups gnomAD compares: Admixed American, 0.014%; no homozygotes.

Submissions (2):

Ambry Genetics
Classification: Uncertain significance. Last evaluated: 2025-08-30. Review status: criteria provided, single submitter. Criteria: Ambry Variant Classification Scheme 2023. Collection method: clinical testing. Allele origin: germline.

Labcorp Genetics (formerly Invitae), Labcorp
Classification: Uncertain significance. Last evaluated: 2025-07-06. Review status: criteria provided, single submitter. Criteria: Invitae Variant Classification Sherloc (09022015). Collection method: clinical testing. Allele origin: germline.
Comment: This sequence change replaces glutamine, which is neutral and polar, with arginine, which is basic and polar, at codon 2645 of the FBN3 protein (p.Gln2645Arg). This variant is not present in population databases (gnomAD no frequency). This variant has not been reported in the literature in individuals affected with FBN3-related conditions. ClinVar contains an entry for this variant (Variation ID: 1409564). Invitae Evidence Modeling of protein sequence and biophysical properties (such as structural, functional, and spatial information, amino acid conservation, physicochemical variation, residue mobility, and thermodynamic stability) indicates that this missense variant is not expected to disrupt FBN3 protein function with a negative predictive value of 80%. In summary, the available evidence is currently insufficient to determine the role of this variant in disease. Therefore, it has been classified as a Variant of Uncertain Significance.